The following is an entry in ClinVar:

NM_002769.5(PRSS1):c.491C>A (p.Pro164His)

Genes: PRSS1 (serine protease 1; plus strand), TRB (T cell receptor beta locus; plus strand). Cytogenetic location: 7q34.
Variant type: single nucleotide variant.
Coding change: c.491C>A on transcript NM_002769.5 (MANE Select); coding-DNA position 491, C replaced by A.
Protein change: p.Pro164His; replaces proline 164 with histidine.
Molecular consequence: missense variant. On other transcripts: non-coding transcript variant (5).
Genome position (GRCh38, 1-based): chr7:142,752,467, C>A. VCF-style: chr7-142752467-C-A. GRCh37 (hg19) VCF-style: chr7-142460318-C-A.
Other names: short protein forms P164H.
Identifiers: ClinVar variation 3426330 (VCV003426330.1).
Genomic context (GRCh38, chr7:142,752,467, plus strand): 5'-TTGATCTCTTCCTGATCCTCACAGCCGACTACCCAGACGAGCTGCAGTGCCTGGATGCTC[C>A]TGTGCTGAGCCAGGCTAAGTGTGAAGCCTCCTACCCTGGAAAGATTACCAGCAACATGTT-3'
Protein context (NP_002760.1, residues 154-174): YPDELQCLDA[Pro164His]VLSQAKCEAS

ClinVar aggregate classification (germline): Uncertain significance (1 of 4 stars; one submission).

Conditions:
Hereditary pancreatitis (PCTT). Also called: Hereditary chronic pancreatitis; PRSS1-Related Hereditary Pancreatitis. Identifiers: Orphanet 676, MedGen C0238339, MONDO:0008185, OMIM 167800.

Submission:

Ambry Genetics
Classification: Uncertain significance for Hereditary pancreatitis. Last evaluated: 2024-09-18. Review status: criteria provided, single submitter. Criteria: Ambry Variant Classification Scheme 2023. Collection method: clinical testing. Allele origin: germline.
Comment: The p.P164H variant (also known as c.491C>A), located in coding exon 4 of the PRSS1 gene, results from a C to A substitution at nucleotide position 491. The proline at codon 164 is replaced by histidine, an amino acid with similar properties. This amino acid position is conserved. In addition, this alteration is predicted to be deleterious by in silico analysis. Based on the available evidence, the clinical significance of this variant remains unclear.